The following is an entry in ClinVar:

NM_024407.5(NDUFS7):c.515G>T (p.Arg172Leu)

Gene: NDUFS7 (NADH:ubiquinone oxidoreductase core subunit S7; plus strand). Cytogenetic location: 19p13.3.
Variant type: single nucleotide variant.
Coding change: c.515G>T on transcript NM_024407.5 (MANE Select); coding-DNA position 515, G replaced by T.
Protein change: p.Arg172Leu; replaces arginine 172 with leucine.
Molecular consequence: missense variant.
Genome position (GRCh38, 1-based): chr19:1,393,301, G>T. VCF-style: chr19-1393301-G-T. GRCh37 (hg19) VCF-style: chr19-1393300-G-T.
Other names: c.515G>T, p.Arg172Leu (NM_001363602.2); short protein forms R172L.
Identifiers: ClinVar variation 1310490 (VCV001310490.4), dbSNP rs536671984, ClinGen allele CA9043422.

ClinVar aggregate classification (germline): Uncertain significance. Review status: criteria provided, multiple submitters, no conflicts (2 of 4 stars). 2 submissions from 2 submitters: Uncertain significance (2). Last evaluated 2022-09-13.

Allele frequency attached by ClinVar (database versions not stated): TOPMed below 0.00001.
gnomAD v4.1: 14 of 1,587,448 alleles (0.00088%); highest among the groups gnomAD compares: East Asian, 0.0046%; no homozygotes.

Submissions (2):

Labcorp Genetics (formerly Invitae), Labcorp
Classification: Uncertain significance. Last evaluated: 2022-09-13. Review status: criteria provided, single submitter. Criteria: Invitae Variant Classification Sherloc (09022015). Collection method: clinical testing. Allele origin: germline.
Comment: This sequence change replaces arginine, which is basic and polar, with leucine, which is neutral and non-polar, at codon 172 of the NDUFS7 protein (p.Arg172Leu). The frequency data for this variant in the population databases is considered unreliable, as metrics indicate poor data quality at this position in the gnomAD database. This variant has not been reported in the literature in individuals affected with NDUFS7-related conditions. ClinVar contains an entry for this variant (Variation ID: 1310490). Algorithms developed to predict the effect of missense changes on protein structure and function (SIFT, PolyPhen-2, Align-GVGD) all suggest that this variant is likely to be disruptive. In summary, the available evidence is currently insufficient to determine the role of this variant in disease. Therefore, it has been classified as a Variant of Uncertain Significance.

GeneDx
Classification: Uncertain significance. Last evaluated: 2019-11-30. Review status: criteria provided, single submitter. Criteria: GeneDx Variant Classification Process June 2021. Collection method: clinical testing. Allele origin: germline. Affected: yes.
Comment: Not observed at a significant frequency in large population cohorts (Lek et al., 2016); In silico analysis, which includes protein predictors and evolutionary conservation, supports a deleterious effect; Has not been previously published as pathogenic or benign to our knowledge